The following is an entry in ClinVar:

ClinVar aggregate classification (germline): Benign. Review status: criteria provided, multiple submitters, no conflicts (2 of 4 stars). 3 submissions from 3 submitters: Benign (3). Last evaluated 2018-06-14.

Conditions:
Maturity-onset diabetes of the young (MODY). Also called: Maturity onset diabetes mellitus in young. Identifiers: Orphanet 552, MedGen C0342276, MONDO:0018911, HP:0004904.

Allele frequency attached by ClinVar (database versions not stated): ESP Exome Variant Server 0.43611; gnomAD 0.44632 and 0.45665; TOPMed 0.45644; gnomAD exomes 0.50069; ExAC 0.50169; 1000 Genomes Project 30x 0.54794; 1000 Genomes Project 0.55471.
gnomAD v4.1: 722,155 of 1,592,492 alleles (45%); highest among the groups gnomAD compares: East Asian, 77%; 170,016 homozygotes.

Submissions (3):

GeneDx
Classification: Benign. Last evaluated: 2018-06-14. Review status: criteria provided, single submitter. Criteria: GeneDx Variant Classification (06012015). Collection method: clinical testing. Allele origin: germline. Affected: yes.
Comment: This variant is considered likely benign or benign based on one or more of the following criteria: it is a conservative change, it occurs at a poorly conserved position in the protein, it is predicted to be benign by multiple in silico algorithms, and/or has population frequency not consistent with disease.

Breakthrough Genomics
Classification: Benign. Review status: criteria provided, single submitter. Criteria: ACMG Guidelines, 2015. Collection method: not provided. Allele origin: germline. Inheritance: Autosomal dominant inheritance. Affected: yes.

Clinical Genomics, Uppaluri K&H Personalized Medicine Clinic
Classification: Benign for Maturity-onset diabetes of the young. Review status: criteria provided, single submitter. Criteria: K & H Uppaluri Personalized Medicine Clinic Variant Classification & Assertion Criteria_Updated V.1. Collection method: research. Allele origin: unknown. Inheritance: Autosomal dominant inheritance.
Comment: Potent mutations in HNF4A are associated with poor insulin secretion in response to hyperglycemia. Associated with MODY1. Patients initially respond well to sulfonylureas but eventually become insulin dependent. However, more evidence is required to ascertain the role of this particular variant rs736824 in MODY, yet.

Literature cited by the submitters: DOI 10.1159/000334532 (cited by Clinical Genomics, Uppaluri K&H Personalized Medicine Clinic); PubMed 18268044 (cited by Clinical Genomics, Uppaluri K&H Personalized Medicine Clinic); PubMed 17563455 (cited by Clinical Genomics, Uppaluri K&H Personalized Medicine Clinic); PubMed 32583173 (cited by Clinical Genomics, Uppaluri K&H Personalized Medicine Clinic); PubMed 35052457 (cited by Clinical Genomics, Uppaluri K&H Personalized Medicine Clinic); PubMed 35118593 (cited by Clinical Genomics, Uppaluri K&H Personalized Medicine Clinic).

NM_175914.5(HNF4A):c.50-38T>C

Gene: HNF4A (hepatocyte nuclear factor 4 alpha; plus strand). Cytogenetic location: 20q13.12.
Variant type: single nucleotide variant.
Coding change: c.50-38T>C on transcript NM_175914.5 (MANE Select); 38 bases into the intron before coding-DNA position 50, T replaced by C.
Molecular consequence: intron variant.
Genome position (GRCh38, 1-based): chr20:44,406,020, T>C. VCF-style: chr20-44406020-T-C. GRCh37 (hg19) VCF-style: chr20-43034660-T-C.
Other names: c.41-38T>C (NM_001287182.2, NM_001287183.2, NM_001287184.2); c.50-38T>C (NM_001030003.3, NM_001030004.3); c.95-38T>C (NM_001258355.2); c.116-38T>C (NM_178849.3, NM_000457.6, NM_178850.3).
Identifiers: ClinVar variation 673538 (VCV000673538.3), dbSNP rs736824, ClinGen allele CA9870148.